The following is an entry in ClinVar:

ClinVar aggregate classification (germline): Conflicting classifications of pathogenicity. Review status: criteria provided, conflicting classifications (1 of 4 stars). 5 submissions from 5 submitters: Pathogenic (1); Likely pathogenic (1); Uncertain significance (3). Last evaluated 2026-09-08.

Conditions:
CDH23-related disorder. Also called: CDH23-related condition; CDH23-related disorders.
Autosomal recessive nonsyndromic hearing loss 12. Also called: DEAFNESS, AUTOSOMAL RECESSIVE 12. Identifiers: Orphanet 90636, MedGen C1832394, MONDO:0011067, OMIM 601386.
Pituitary adenoma 5, multiple types. Identifiers: MedGen C4539685, MONDO:0054601, OMIM 617540.
Usher syndrome type 1D (USH1D). Also called: USHER SYNDROME, TYPE ID. Identifiers: Orphanet 231169, Orphanet 886, MedGen C1832845, MONDO:0010984, OMIM 601067.

Allele frequency attached by ClinVar (database versions not stated): gnomAD exomes 0.00001; TOPMed 0.00001.
gnomAD v4.1: 3 of 1,613,936 alleles (0.00019%); highest among the groups gnomAD compares: African/African-American, 0.0027%; no homozygotes.

Submissions (5):

PreventionGenetics, part of Exact Sciences
Classification: Uncertain significance for CDH23-related condition. Last evaluated: 2026-09-08. Review status: criteria provided, single submitter. Criteria: ACMG Guidelines, 2015. Collection method: clinical testing. Allele origin: germline.
Comment: The CDH23 c.2591G>T variant is predicted to result in the amino acid substitution p.Gly864Val. This variant was reported in compound heterozygous state with loss-of-function variant in two individuals with hearing loss (Chen et al. 2021. PubMed ID: 34752165). This variant is reported in 0.0065% of alleles in individuals of African descent in gnomAD. Although we suspect that this variant may be pathogenic, at this time, the clinical significance of this variant is uncertain due to the absence of conclusive functional and genetic evidence.

Labcorp Genetics (formerly Invitae), Labcorp
Classification: Pathogenic. Last evaluated: 2026-01-06. Review status: criteria provided, single submitter. Criteria: Invitae Variant Classification Sherloc (09022015). Collection method: clinical testing. Allele origin: germline.
Comment: This sequence change replaces glycine, which is neutral and non-polar, with valine, which is neutral and non-polar, at codon 864 of the CDH23 protein (p.Gly864Val). This variant is present in population databases (no rsID available, gnomAD 0.007%). This missense change has been observed in individual(s) with deafness (PMID: 34752165; internal data). In at least one individual the data is consistent with being in trans (on the opposite chromosome) from a pathogenic variant. It has also been observed to segregate with disease in related individuals. ClinVar contains an entry for this variant (Variation ID: 1437198). Invitae Evidence Modeling of protein sequence and biophysical properties (such as structural, functional, and spatial information, amino acid conservation, physicochemical variation, residue mobility, and thermodynamic stability) has been performed for this missense variant. However, the output from this modeling did not meet the statistical confidence thresholds required to predict the impact of this variant on CDH23 protein function. For these reasons, this variant has been classified as Pathogenic.

GeneDx
Classification: Uncertain significance. Last evaluated: 2024-07-03. Review status: criteria provided, single submitter. Criteria: GeneDx Variant Classification Process June 2021. Collection method: clinical testing. Allele origin: germline. Affected: yes.
Comment: Not observed at significant frequency in large population cohorts (gnomAD); In silico analysis supports that this missense variant has a deleterious effect on protein structure/function; This variant is associated with the following publications: (PMID: 34752165)

Fulgent Genetics
Classification: Likely pathogenic for Usher syndrome type 1D; Autosomal recessive nonsyndromic hearing loss 12; Pituitary adenoma 5, multiple types. Last evaluated: 2024-01-04. Review status: criteria provided, single submitter. Criteria: ACMG Guidelines, 2015. Collection method: clinical testing. Allele origin: germline.

Blueprint Genetics
Classification: Uncertain significance. Last evaluated: 2020-10-30. Review status: criteria provided, single submitter. Criteria: ACMG Guidelines, 2015. Collection method: clinical testing. Allele origin: germline.

Literature cited by the submitters: PubMed 34752165 (cited by Labcorp Genetics (formerly Invitae), Labcorp).

NM_022124.6(CDH23):c.2591G>T (p.Gly864Val)

Gene: CDH23 (cadherin related 23; plus strand). Cytogenetic location: 10q22.1.
Variant type: single nucleotide variant.
Coding change: c.2591G>T on transcript NM_022124.6 (MANE Select); coding-DNA position 2591, G replaced by T.
Protein change: p.Gly864Val; replaces glycine 864 with valine.
Molecular consequence: missense variant.
Genome position (GRCh38, 1-based): chr10:71,702,552, G>T. VCF-style: chr10-71702552-G-T. GRCh37 (hg19) VCF-style: chr10-73462309-G-T.
Other names: c.2591G>T, p.Gly864Val (NM_001171930.2, NM_001171931.2); c.2591G>T (NM_022124.5); short protein forms G864V.
Identifiers: ClinVar variation 1437198 (VCV001437198.8), dbSNP rs1317670560, ClinGen allele CA377137971.